The following is an entry in ClinVar:

NM_182710.3(KAT5):c.1534G>A (p.Asp512Asn)

Genes: KAT5 (lysine acetyltransferase 5; plus strand), RNASEH2C (ribonuclease H2 subunit C; minus strand). Cytogenetic location: 11q13.1.
Variant type: single nucleotide variant.
Coding change: c.1534G>A on transcript NM_182710.3 (MANE Select); coding-DNA position 1534, G replaced by A.
Protein change: p.Asp512Asn; replaces aspartic acid 512 with asparagine.
Molecular consequence: missense variant. On other transcripts: 3 prime UTR variant (1).
Genome position (GRCh38, 1-based): chr11:65,719,074, G>A. VCF-style: chr11-65719074-G-A. GRCh37 (hg19) VCF-style: chr11-65486545-G-A.
Other names: c.1378G>A, p.Asp460Asn (NM_001206833.2); c.1435G>A, p.Asp479Asn (NM_006388.4); c.1279G>A, p.Asp427Asn (NM_182709.3); c.*709C>T (NM_032193.4); short protein forms D427N, D460N, D479N, D512N.
Identifiers: ClinVar variation 2572340 (VCV002572340.1), dbSNP rs1857306488, ClinGen allele CA381292266.

ClinVar aggregate classification (germline): Uncertain significance (1 of 4 stars; one submission).

Allele frequency attached by ClinVar (database versions not stated): gnomAD exomes below 0.00001; TOPMed 0.00001.
gnomAD v4.1: 2 of 1,614,148 alleles (0.00012%); highest among the groups gnomAD compares: Non-Finnish European, 0.00017%; no homozygotes.

Submission:

Greenwood Genetic Center Diagnostic Laboratories, Greenwood Genetic Center
Classification: Uncertain significance. Last evaluated: 2023-04-18. Review status: criteria provided, single submitter. Criteria: ACMG Guidelines, 2015. Collection method: clinical testing. Allele origin: germline. Affected: yes.
Comment: PM2